The following is an entry in ClinVar:

ClinVar aggregate classification (germline): Uncertain significance. Review status: criteria provided, multiple submitters, no conflicts (2 of 4 stars). 2 submissions from 2 submitters: Uncertain significance (2). Last evaluated 2025-01-07.

Conditions:
Familial hemophagocytic lymphohistiocytosis 3 (FHL3). Also called: UNC13D-Related Familial Hemophagocytic Lymphohistiocytosis (UNC13D-fHLH). Identifiers: Orphanet 540, MedGen C1837174, MONDO:0012146, OMIM 608898.

Allele frequency attached by ClinVar (database versions not stated): ExAC 0.00002; gnomAD exomes 0.00002 and 0.00006.

Submissions (2):

GeneDx
Classification: Uncertain significance. Last evaluated: 2025-01-07. Review status: criteria provided, single submitter. Criteria: GeneDx Variant Classification Process June 2021. Collection method: clinical testing. Allele origin: germline. Affected: yes.
Comment: In silico analysis supports that this missense variant has a deleterious effect on protein structure/function; Has not been previously published as pathogenic or benign to our knowledge

Labcorp Genetics (formerly Invitae), Labcorp
Classification: Uncertain significance for Familial hemophagocytic lymphohistiocytosis 3. Last evaluated: 2022-08-01. Review status: criteria provided, single submitter. Criteria: Invitae Variant Classification Sherloc (09022015). Collection method: clinical testing. Allele origin: germline.
Comment: This sequence change replaces aspartic acid, which is acidic and polar, with asparagine, which is neutral and polar, at codon 241 of the UNC13D protein (p.Asp241Asn). This variant is present in population databases (rs765792484, gnomAD 0.004%). This variant has not been reported in the literature in individuals affected with UNC13D-related conditions. ClinVar contains an entry for this variant (Variation ID: 1407004). Algorithms developed to predict the effect of missense changes on protein structure and function are either unavailable or do not agree on the potential impact of this missense change (SIFT: "Not Available"; PolyPhen-2: "Probably Damaging"; Align-GVGD: "Not Available"). In summary, the available evidence is currently insufficient to determine the role of this variant in disease. Therefore, it has been classified as a Variant of Uncertain Significance.

NM_199242.3(UNC13D):c.721G>A (p.Asp241Asn)

Gene: UNC13D (unc-13 homolog D; minus strand). Cytogenetic location: 17q25.1.
Variant type: single nucleotide variant.
Coding change: c.721G>A on transcript NM_199242.3 (MANE Select); coding-DNA position 721, G replaced by A.
Protein change: p.Asp241Asn; replaces aspartic acid 241 with asparagine.
Molecular consequence: missense variant.
Genome position (GRCh38, 1-based): chr17:75,840,539, C>T on the plus strand (G>A on the coding strand, the complement: UNC13D is on the minus strand). VCF-style: chr17-75840539-C-T. GRCh37 (hg19) VCF-style: chr17-73836620-C-T.
Other names: c.721G>A (NM_199242.2); short protein forms D241N.
Identifiers: ClinVar variation 1407004 (VCV001407004.7), dbSNP rs765792484, ClinGen allele CA8773315.